The following is an entry in ClinVar:

ClinVar aggregate classification (germline): Pathogenic (0 of 4 stars; one submission).

Submission:

Quest Diagnostics Nichols Institute San Juan Capistrano
Classification: Pathogenic. Last evaluated: 2021-02-01. Review status: no assertion criteria provided. Collection method: clinical testing. Allele origin: germline.
Comment: This is a recurrent deletion interval (15q13.3 recurrent region (BP4-BP5) includes CHRNA7) associated with chromosome 15q13.3 deletion syndrome (OMIM 612001). Individuals with the 15q13.3 microdeletion are at increased risk for a highly variable phenotype, including mild to moderate intellectual disability or learning difficulties (or may have no cognitive deficits), seizures, autism spectrum disorders, schizophrenia, and various dysmorphic features. However some individuals with the deletion have no obvious clinical findings, implying incomplete penetrance and variable expressivity (GeneReviews [Internet].; ClinGen Dosage Sensitivity Curation Page: 15q13.3 recurrent region (BP4-BP5)).

GRCh37/hg19 15q13.2-13.3(chr15:31073735-32914240)x1

Genes: MTMR10 (myotubularin related protein 10; minus strand), MIR211 (microRNA 211; minus strand), ARHGAP11A (Rho GTPase activating protein 11A; plus strand), KLF13 (KLF transcription factor 13; plus strand), CHRNA7 (cholinergic receptor nicotinic alpha 7 subunit) and 5 more. Cytogenetic location: 15q13.2-13.3.
Variant type: copy number loss.
Change: copy number 1 (one copy instead of two) of chr15:31,073,735-32,914,240 (1.84 Mb, GRCh37 coordinates, 1-based), cytogenetic band 15q13.2-13.3.
Identifiers: ClinVar variation 564184 (VCV000564184.4).